The following is an entry in ClinVar:

NC_000022.10:g.(?_32150908)_(32193709_?)del

Gene: DEPDC5 (DEP domain containing 5, GATOR1 subcomplex subunit; plus strand). Cytogenetic location: 22q12.2.
Variant type: Deletion.
Identifiers: ClinVar variation 1459622 (VCV001459622.4).

ClinVar aggregate classification (germline): Pathogenic (1 of 4 stars; one submission).

Conditions:
Familial focal epilepsy with variable foci (FPEVF). Identifiers: Orphanet 98820, MedGen C1858477, MONDO:0020310.

Submission:

Labcorp Genetics (formerly Invitae), Labcorp
Classification: Pathogenic for Familial focal epilepsy with variable foci. Last evaluated: 2023-08-31. Review status: criteria provided, single submitter. Criteria: Invitae Variant Classification Sherloc (09022015). Collection method: clinical testing. Allele origin: germline.
Comment: This variant is a gross deletion of the genomic region encompassing exon(s) 2-13 of the DEPDC5 gene, which includes the initiator codon. This deletion extends beyond the assayed region for this gene and therefore may encompass additional genes. It is expected to result in an absent or disrupted protein product. Loss-of-function variants in DEPDC5 are known to be pathogenic (PMID: 23542697, 23542701). This variant has not been reported in the literature in individuals affected with DEPDC5-related conditions. For these reasons, this variant has been classified as Pathogenic.

Literature cited by the submitters: PubMed 23542697; PubMed 23542701.